The following is an entry in ClinVar:

NM_024795.4(TM4SF20):c.417A>T (p.Glu139Asp)

Gene: TM4SF20 (transmembrane 4 L six family member 20; minus strand). Cytogenetic location: 2q36.3.
Variant type: single nucleotide variant.
Coding change: c.417A>T on transcript NM_024795.4 (MANE Select); coding-DNA position 417, A replaced by T.
Protein change: p.Glu139Asp; replaces glutamic acid 139 with aspartic acid.
Molecular consequence: missense variant.
Genome position (GRCh38, 1-based): chr2:227,363,997, T>A on the plus strand (A>T on the coding strand, the complement: TM4SF20 is on the minus strand). VCF-style: chr2-227363997-T-A. GRCh37 (hg19) VCF-style: chr2-228228713-T-A.
Other names: short protein forms E139D.
Identifiers: ClinVar variation 1414586 (VCV001414586.8), dbSNP rs368331585, ClinGen allele CA66611754.
Genomic context (GRCh38, chr2:227,363,997, plus strand): 5'-TTTATTGAAACCAGTAGGAGGTGCACAAGAGTCATTGAAAAACCACTGCAAGTTGAAGGA[T>A]TCTGGATGAATGTCACTGAAAAACAAAAGATAAAAATCAGATATTCAGAAATATCCCTGA-3'
Protein context (NP_079071.2, residues 129-149): SLKNISDIHP[Glu139Asp]SFNLQWFFND

ClinVar aggregate classification (germline): Uncertain significance (1 of 4 stars; one submission).

Allele frequency attached by ClinVar (database versions not stated): gnomAD 0.00001; TOPMed 0.00001.
gnomAD v4.1: 13 of 1,609,562 alleles (0.00081%); highest among the groups gnomAD compares: East Asian, 0.0067%; no homozygotes.

Submission:

Labcorp Genetics (formerly Invitae), Labcorp
Classification: Uncertain significance. Last evaluated: 2021-07-21. Review status: criteria provided, single submitter. Criteria: Invitae Variant Classification Sherloc (09022015). Collection method: clinical testing. Allele origin: germline.
Comment: This sequence change replaces glutamic acid with aspartic acid at codon 139 of the TM4SF20 protein (p.Glu139Asp). The glutamic acid residue is highly conserved and there is a small physicochemical difference between glutamic acid and aspartic acid. This variant is not present in population databases (ExAC no frequency). This variant has not been reported in the literature in individuals with TM4SF20-related conditions. Algorithms developed to predict the effect of missense changes on protein structure and function output the following: SIFT: "Not Available"; PolyPhen-2: "Benign"; Align-GVGD: "Not Available". The aspartic acid amino acid residue is found in multiple mammalian species, suggesting that this missense change does not adversely affect protein function. These predictions have not been confirmed by published functional studies and their clinical significance is uncertain. In summary, the available evidence is currently insufficient to determine the role of this variant in disease. Therefore, it has been classified as a Variant of Uncertain Significance.